The following is an entry in ClinVar:

ClinVar aggregate classification (germline): Uncertain significance (1 of 4 stars; one submission).

Conditions:
Brugada syndrome 6 (BRGDA6). Identifiers: Orphanet 130, MedGen C2751089, MONDO:0013145, OMIM 613119.

Allele frequency attached by ClinVar (database versions not stated): ExAC 0.00001; gnomAD 0.00001 and 0.00002; TOPMed 0.00001; gnomAD exomes 0.00002.
gnomAD v4.1: 25 of 1,614,100 alleles (0.0015%); highest among the groups gnomAD compares: Non-Finnish European, 0.002%; no homozygotes.

Submission:

Labcorp Genetics (formerly Invitae), Labcorp
Classification: Uncertain significance for Brugada syndrome 6. Last evaluated: 2024-01-06. Review status: criteria provided, single submitter. Criteria: Invitae Variant Classification Sherloc (09022015). Collection method: clinical testing. Allele origin: germline.
Comment: This sequence change replaces serine, which is neutral and polar, with arginine, which is basic and polar, at codon 74 of the KCNE3 protein (p.Ser74Arg). This variant is present in population databases (rs760938276, gnomAD 0.003%). This missense change has been observed in individual(s) with clinical features of KCNE3-related conditions (PMID: 30847666). ClinVar contains an entry for this variant (Variation ID: 1035425). An algorithm developed to predict the effect of missense changes on protein structure and function (PolyPhen-2) suggests that this variant is likely to be disruptive. In summary, the available evidence is currently insufficient to determine the role of this variant in disease. Therefore, it has been classified as a Variant of Uncertain Significance.

Literature cited by the submitters: PubMed 30847666.

NM_005472.5(KCNE3):c.222C>G (p.Ser74Arg)

Gene: KCNE3 (potassium voltage-gated channel subfamily E regulatory subunit 3; minus strand). Cytogenetic location: 11q13.4.
Variant type: single nucleotide variant.
Coding change: c.222C>G on transcript NM_005472.5 (MANE Select); coding-DNA position 222, C replaced by G.
Protein change: p.Ser74Arg; replaces serine 74 with arginine.
Molecular consequence: missense variant.
Genome position (GRCh38, 1-based): chr11:74,457,342, G>C on the plus strand (C>G on the coding strand, the complement: KCNE3 is on the minus strand). VCF-style: chr11-74457342-G-C. GRCh37 (hg19) VCF-style: chr11-74168387-G-C.
Other names: short protein forms S74R.
Identifiers: ClinVar variation 1035425 (VCV001035425.8), dbSNP rs760938276, ClinGen allele CA6184830.
Genomic context (GRCh38, chr11:74,457,342, plus strand): 5'-CACATGATAGGGGTCACTACGCTTGTCCACTTTGCGGGAGCGGGTGTATCCCAGGATGAG[G>C]CTGCCCACAGTTACAGCAAATAGAAACATGACAAAGAGAATGTACATGTAGGAGTTGTCA-3'
Protein context (NP_005463.1, residues 64-84): VMFLFAVTVG[Ser74Arg]LILGYTRSRK